The following is an entry in ClinVar:

ClinVar aggregate classification (germline): Likely benign (0 of 4 stars; one submission).

Conditions:
FAT2-related disorder. Also called: FAT2-related condition.

Allele frequency attached by ClinVar (database versions not stated): gnomAD 0.00001; TOPMed 0.00001; ExAC 0.00003; ESP Exome Variant Server 0.00023.
gnomAD v4.1: 54 of 1,614,064 alleles (0.0033%); highest among the groups gnomAD compares: Non-Finnish European, 0.0041%; no homozygotes.

Submission:

PreventionGenetics, part of Exact Sciences
Classification: Likely benign for FAT2-related condition. Last evaluated: 2019-04-15. Review status: no assertion criteria provided. Collection method: clinical testing. Allele origin: germline.
Comment: This variant is classified as likely benign based on ACMG/AMP sequence variant interpretation guidelines (Richards et al. 2015 PMID: 25741868, with internal and published modifications).

NM_001447.3(FAT2):c.11757C>T (p.Asn3919=)

Genes: FAT2 (FAT atypical cadherin 2; minus strand), SLC36A1 (solute carrier family 36 member 1; plus strand). Cytogenetic location: 5q33.1.
Variant type: single nucleotide variant.
Coding change: c.11757C>T on transcript NM_001447.3 (MANE Select); coding-DNA position 11757, C replaced by T.
Protein change: p.Asn3919=; no amino-acid change (asparagine 3919 retained).
Molecular consequence: synonymous variant.
Genome position (GRCh38, 1-based): chr5:151,512,313, G>A on the plus strand (C>T on the coding strand, the complement: FAT2 is on the minus strand). VCF-style: chr5-151512313-G-A. GRCh37 (hg19) VCF-style: chr5-150891874-G-A.
Identifiers: ClinVar variation 3057353 (VCV003057353.2), dbSNP rs138511375, ClinGen allele CA3519946.